The following is an entry in ClinVar:

ClinVar aggregate classification (germline): Uncertain significance (1 of 4 stars; one submission).

Submission:

Labcorp Genetics (formerly Invitae), Labcorp
Classification: Uncertain significance. Last evaluated: 2022-03-08. Review status: criteria provided, single submitter. Criteria: Invitae Variant Classification Sherloc (09022015). Collection method: clinical testing. Allele origin: germline.
Comment: This variant has not been reported in the literature in individuals affected with PLAA-related conditions. Variants that disrupt the consensus splice site are a relatively common cause of aberrant splicing (PMID: 17576681, 9536098). Algorithms developed to predict the effect of sequence changes on RNA splicing suggest that this variant is not likely to affect RNA splicing. In summary, the available evidence is currently insufficient to determine the role of this variant in disease. Therefore, it has been classified as a Variant of Uncertain Significance. This sequence change falls in intron 7 of the PLAA gene. It does not directly change the encoded amino acid sequence of the PLAA protein. It affects a nucleotide within the consensus splice site. This variant is not present in population databases (gnomAD no frequency).

Literature cited by the submitters: PubMed 17576681; PubMed 9536098.

NM_001031689.3(PLAA):c.1039+4_1039+7del

Gene: PLAA (phospholipase A2 activating protein; minus strand). Cytogenetic location: 9p21.2.
Variant type: Deletion.
Coding change: c.1039+4_1039+7del on transcript NM_001031689.3 (MANE Select); bases 4 to 7 of the intron after coding-DNA position 1039, 4 bases deleted (AGTA; older notation c.1039+4_1039+7delAGTA).
Molecular consequence: splice donor variant.
Genome position (GRCh38, 1-based): chr9:26,923,171-26,923,174, TACT deleted on the plus strand (AGTA on the coding strand, the reverse complement: PLAA is on the minus strand); deleting any 4 consecutive bases within chr9:26,923,171-26,923,177 gives the same sequence; the c. name uses the placement nearest the transcript's 3' end. VCF-style (leftmost placement, unchanged base first): chr9-26923170-ATACT-A. GRCh37 (hg19) VCF-style: chr9-26923168-ATACT-A.
Other names: c.1039+4_1039+7del (NM_001321546.2).
Identifiers: ClinVar variation 1408564 (VCV001408564.6), dbSNP rs2131386703, ClinGen allele CA2573143681.